The following is an entry in ClinVar:

ClinVar aggregate classification (germline): Likely pathogenic (1 of 4 stars; one submission).

Conditions:
MPI-congenital disorder of glycosylation. Also called: CONGENITAL DISORDER OF GLYCOSYLATION, TYPE Ib; CDG Ib; MANNOSEPHOSPHATE ISOMERASE DEFICIENCY; PROTEIN-LOSING ENTEROPATHY-HEPATIC FIBROSIS SYNDROME; MPI-CDG; MPI DEFICIENCY. Identifiers: Orphanet 79319, MedGen C1865145, MONDO:0011257, OMIM 602579.

Submission:

Natera, Inc.
Classification: Likely pathogenic for Congenital disorder of glycosylation type 1b. Last evaluated: 2024-04-05. Review status: criteria provided, single submitter. Criteria: Natera Variant Classification Schema (03/2026). Collection method: clinical testing. Allele origin: germline.
Comment: The c.145-2A>G variant in MPI is a canonical splice acceptor site variant predicted to affect pre-mRNA splicing, which may result in an abnormal transcript and altered protein product. This variant is expected to result in nonsense mediated decay, truncation, or a dysfunctional protein product. This variant is rare in the general population with a frequency below the threshold expected for the associated phenotype(s). Given the available evidence, this variant is classified as Likely Pathogenic.

NM_002435.3(MPI):c.145-2A>G

Gene: MPI (mannose phosphate isomerase; plus strand). Cytogenetic location: 15q24.1.
Variant type: single nucleotide variant.
Coding change: c.145-2A>G on transcript NM_002435.3 (MANE Select); the canonical splice acceptor site of the intron before coding-DNA position 145, A replaced by G.
Molecular consequence: splice acceptor variant.
Genome position (GRCh38, 1-based): chr15:74,891,377, A>G. VCF-style: chr15-74891377-A-G. GRCh37 (hg19) VCF-style: chr15-75183718-A-G.
Other names: c.85-2A>G (NM_001330372.2); c.145-2A>G (NM_001289155.2, NM_001289157.2); c.-6-2A>G (NM_001289156.2).
Identifiers: ClinVar variation 4815034 (VCV004815034.1).